The following is an entry in ClinVar:

ClinVar aggregate classification (germline): Uncertain significance. Review status: criteria provided, multiple submitters, no conflicts (2 of 4 stars). 2 submissions from 2 submitters: Uncertain significance (2). Last evaluated 2025-06-07.

Conditions:
Arrhythmogenic right ventricular dysplasia 13. Also called: ARRHYTHMOGENIC RIGHT VENTRICULAR CARDIOMYOPATHY 13; Arrhythmogenic right ventricular dysplasia, familial, 13. Identifiers: MedGen C3810138, MONDO:0000908, OMIM 615616.

gnomAD v4.1: 21 of 1,613,706 alleles (0.0013%); highest among the groups gnomAD compares: African/African-American, 0.027%; no homozygotes.

Submissions (2):

Ambry Genetics
Classification: Uncertain significance. Last evaluated: 2025-06-07. Review status: criteria provided, single submitter. Criteria: Ambry Variant Classification Scheme 2023. Collection method: clinical testing. Allele origin: germline.
Comment: The p.I328V variant (also known as c.982A>G), located in coding exon 6 of the CTNNA3 gene, results from an A to G substitution at nucleotide position 982. The isoleucine at codon 328 is replaced by valine, an amino acid with highly similar properties. This amino acid position is conserved. In addition, the in silico prediction for this alteration is inconclusive. Based on the available evidence, the clinical significance of this variant remains unclear.

Labcorp Genetics (formerly Invitae), Labcorp
Classification: Uncertain significance for Arrhythmogenic right ventricular dysplasia 13. Last evaluated: 2025-04-27. Review status: criteria provided, single submitter. Criteria: Invitae Variant Classification Sherloc (09022015). Collection method: clinical testing. Allele origin: germline.
Comment: This sequence change replaces isoleucine, which is neutral and non-polar, with valine, which is neutral and non-polar, at codon 328 of the CTNNA3 protein (p.Ile328Val). This variant is present in population databases (rs374713975, gnomAD 0.02%). This variant has not been reported in the literature in individuals affected with CTNNA3-related conditions. Invitae Evidence Modeling of protein sequence and biophysical properties (such as structural, functional, and spatial information, amino acid conservation, physicochemical variation, residue mobility, and thermodynamic stability) indicates that this missense variant is not expected to disrupt CTNNA3 protein function with a negative predictive value of 80%. In summary, the available evidence is currently insufficient to determine the role of this variant in disease. Therefore, it has been classified as a Variant of Uncertain Significance.

NM_013266.4(CTNNA3):c.982A>G (p.Ile328Val)

Gene: CTNNA3 (catenin alpha 3; minus strand). Cytogenetic location: 10q21.3.
Variant type: single nucleotide variant.
Coding change: c.982A>G on transcript NM_013266.4 (MANE Select); coding-DNA position 982, A replaced by G.
Protein change: p.Ile328Val; replaces isoleucine 328 with valine.
Molecular consequence: missense variant.
Genome position (GRCh38, 1-based): chr10:67,180,382, T>C on the plus strand (A>G on the coding strand, the complement: CTNNA3 is on the minus strand). VCF-style: chr10-67180382-T-C. GRCh37 (hg19) VCF-style: chr10-68940140-T-C.
Other names: c.982A>G, p.Ile328Val (NM_001127384.3); c.1018A>G, p.Ile340Val (NM_001291133.2); short protein forms I328V, I340V.
Identifiers: ClinVar variation 3837215 (VCV003837215.3).